The following is an entry in ClinVar:

ClinVar aggregate classification (germline): Uncertain significance (1 of 4 stars; one submission).

Allele frequency attached by ClinVar (database versions not stated): gnomAD exomes below 0.00001 and 0.00002; gnomAD 0.00001; TOPMed 0.00002.
gnomAD v4.1: 5 of 1,610,652 alleles (0.00031%); highest among the groups gnomAD compares: Admixed American, 0.0067%; no homozygotes.

Submission:

Labcorp Genetics (formerly Invitae), Labcorp
Classification: Uncertain significance. Last evaluated: 2025-12-07. Review status: criteria provided, single submitter. Criteria: Invitae Variant Classification Sherloc (09022015). Collection method: clinical testing. Allele origin: germline.
Comment: This sequence change replaces methionine, which is neutral and non-polar, with threonine, which is neutral and polar, at codon 569 of the AXL protein (p.Met569Thr). This variant is present in population databases (no rsID available, gnomAD 0.009%). This variant has not been reported in the literature in individuals affected with AXL-related conditions. ClinVar contains an entry for this variant (Variation ID: 1351341). Invitae Evidence Modeling of protein sequence and biophysical properties (such as structural, functional, and spatial information, amino acid conservation, physicochemical variation, residue mobility, and thermodynamic stability) indicates that this missense variant is expected to disrupt AXL protein function with a positive predictive value of 80%. In summary, the available evidence is currently insufficient to determine the role of this variant in disease. Therefore, it has been classified as a Variant of Uncertain Significance.

NM_021913.5(AXL):c.1706T>C (p.Met569Thr)

Gene: AXL (AXL receptor tyrosine kinase; plus strand). Cytogenetic location: 19q13.2.
Variant type: single nucleotide variant.
Coding change: c.1706T>C on transcript NM_021913.5 (MANE Select); coding-DNA position 1706, T replaced by C.
Protein change: p.Met569Thr; replaces methionine 569 with threonine.
Molecular consequence: missense variant.
Genome position (GRCh38, 1-based): chr19:41,248,815, T>C. VCF-style: chr19-41248815-T-C. GRCh37 (hg19) VCF-style: chr19-41754720-T-C.
Other names: c.902T>C, p.Met301Thr (NM_001278599.2); c.1679T>C, p.Met560Thr (NM_001699.6); short protein forms M301T, M569T, M560T.
Identifiers: ClinVar variation 1351341 (VCV001351341.6), dbSNP rs913467939, ClinGen allele CA308547456.